The following is an entry in ClinVar:

NM_001184.4(ATR):c.4642G>A (p.Val1548Ile)

Gene: ATR (ATR checkpoint kinase; minus strand). Cytogenetic location: 3q23.
Variant type: single nucleotide variant.
Coding change: c.4642G>A on transcript NM_001184.4 (MANE Select); coding-DNA position 4642, G replaced by A.
Protein change: p.Val1548Ile; replaces valine 1548 with isoleucine.
Molecular consequence: missense variant.
Genome position (GRCh38, 1-based): chr3:142,512,470, C>T on the plus strand (G>A on the coding strand, the complement: ATR is on the minus strand). VCF-style: chr3-142512470-C-T. GRCh37 (hg19) VCF-style: chr3-142231312-C-T.
Other names: c.4450G>A, p.Val1484Ile (NM_001354579.2); short protein forms V1548I, V1484I.
Identifiers: ClinVar variation 1742124 (VCV001742124.3), dbSNP rs2108372716, ClinGen allele CA354796001.

ClinVar aggregate classification (germline): Uncertain significance. Review status: criteria provided, multiple submitters, no conflicts (2 of 4 stars). 2 submissions from 2 submitters: Uncertain significance (2). Last evaluated 2025-03-18.

Conditions:
Inborn genetic diseases. Identifiers: MedGen C0950123, MeSH D030342.

Submissions (2):

Labcorp Genetics (formerly Invitae), Labcorp
Classification: Uncertain significance. Last evaluated: 2025-03-18. Review status: criteria provided, single submitter. Criteria: Invitae Variant Classification Sherloc (09022015). Collection method: clinical testing. Allele origin: germline.
Comment: This sequence change replaces valine, which is neutral and non-polar, with isoleucine, which is neutral and non-polar, at codon 1548 of the ATR protein (p.Val1548Ile). This variant is not present in population databases (gnomAD no frequency). This variant has not been reported in the literature in individuals affected with ATR-related conditions. ClinVar contains an entry for this variant (Variation ID: 1742124). An algorithm developed to predict the effect of missense changes on protein structure and function (PolyPhen-2) suggests that this variant is likely to be tolerated. In summary, the available evidence is currently insufficient to determine the role of this variant in disease. Therefore, it has been classified as a Variant of Uncertain Significance.

Ambry Genetics
Classification: Uncertain significance for Inborn genetic diseases. Last evaluated: 2021-08-11. Review status: criteria provided, single submitter. Criteria: Ambry Variant Classification Scheme 2023. Collection method: clinical testing. Allele origin: germline.
Comment: The p.V1548I variant (also known as c.4642G>A) is located in coding exon 27 of the ATR gene. The valine at codon 1548 is replaced by isoleucine, an amino acid with highly similar properties. This change occurs in the first base pair of coding exon 27. This amino acid position is conserved. In addition, this alteration is predicted to be tolerated by in silico analysis. Since supporting evidence is limited at this time, the clinical significance of this alteration remains unclear.